The following is an entry in ClinVar:

NM_173630.4(RTTN):c.2309+1G>A

Gene: RTTN (rotatin; minus strand). Cytogenetic location: 18q22.2.
Variant type: single nucleotide variant.
Coding change: c.2309+1G>A on transcript NM_173630.4 (MANE Select); the canonical splice donor site of the intron after coding-DNA position 2309, G replaced by A.
Molecular consequence: splice donor variant.
Genome position (GRCh38, 1-based): chr18:70,148,900, C>T on the plus strand (G>A on the coding strand, the complement: RTTN is on the minus strand). VCF-style: chr18-70148900-C-T. GRCh37 (hg19) VCF-style: chr18-67816136-C-T.
Other names: c.-339+1G>A (NM_001318520.2).
Identifiers: ClinVar variation 5005908 (VCV005005908.2).

ClinVar aggregate classification (germline): Likely pathogenic (1 of 4 stars; one submission).

Conditions:
Microcephalic primordial dwarfism due to RTTN deficiency (MSSP). Also called: MICROCEPHALY, SHORT STATURE, AND POLYMICROGYRIA; Microcephaly, short stature, and polymicrogyria with or without seizures. Identifiers: Orphanet 468631, MedGen C3553831, MONDO:0018764, OMIM 614833.

gnomAD v4.1: 2 of 1,613,284 alleles (0.00012%); highest among the groups gnomAD compares: East Asian, 0.0022%; no homozygotes.

Submission:

Juno Genomics, Hangzhou Juno Genomics, Inc
Classification: Likely pathogenic for Microcephalic primordial dwarfism due to RTTN deficiency. Review status: criteria provided, single submitter. Criteria: ACMG Guidelines, 2015. Collection method: clinical testing. Allele origin: germline.
Comment: Null variant in a gene where loss of function (LOF) is a known mechanism of disease.;Absent from controls (or at extremely low frequency if recessive) in Genome Aggregation Database.